The following is an entry in ClinVar:

NM_005343.4(HRAS):c.544A>C (p.Met182Leu)

Genes: HRAS (HRas proto-oncogene, GTPase; minus strand), LRRC56 (leucine rich repeat containing 56; plus strand). Cytogenetic location: 11p15.5.
Variant type: single nucleotide variant.
Coding change: c.544A>C on transcript NM_005343.4 (MANE Select); coding-DNA position 544, A replaced by C.
Protein change: p.Met182Leu; replaces methionine 182 with leucine.
Molecular consequence: missense variant. On other transcripts: 3 prime UTR variant (1).
Genome position (GRCh38, 1-based): chr11:532,662, T>G on the plus strand (A>C on the coding strand, the complement: HRAS is on the minus strand). VCF-style: chr11-532662-T-G. GRCh37 (hg19) VCF-style: chr11-532662-T-G.
Other names: c.544A>C, p.Met182Leu (NM_001130442.3); c.307A>C, p.Met103Leu (NM_001318054.2); c.*113A>C (NM_176795.5); short protein forms M103L, M182L.
Identifiers: ClinVar variation 946957 (VCV000946957.8), dbSNP rs730880465, ClinGen allele CA378920954.
Genomic context (GRCh38, chr11:532,662, plus strand): 5'-GTGGCGGCCGCCCTGGGAGTCCCCCTCACCTGCGTCAGGAGAGCACACACTTGCAGCTCA[T>G]GCAGCCGGGGCCACTCTCATCAGGAGGGTTCAGCTTCCGCAGCTTGTGCTGCCGGATCTC-3'
Protein context (NP_005334.1, residues 172-189): NPPDESGPGC[Met182Leu]SCKCVLS

ClinVar aggregate classification (germline): Uncertain significance (1 of 4 stars; one submission).

Conditions:
Costello syndrome (CSTLO). Also called: FACIOCUTANEOSKELETAL SYNDROME; HRAS-Related Costello Syndrome; FCS SYNDROME. Identifiers: Orphanet 3071, MedGen C0587248, MONDO:0009026, OMIM 218040.

gnomAD v4.1: 1 of 1,612,736 alleles (0.000062%); no homozygotes.

Submission:

Labcorp Genetics (formerly Invitae), Labcorp
Classification: Uncertain significance for Costello syndrome. Last evaluated: 2025-06-16. Review status: criteria provided, single submitter. Criteria: Invitae Variant Classification Sherloc (09022015). Collection method: clinical testing. Allele origin: germline.
Comment: This sequence change replaces methionine, which is neutral and non-polar, with leucine, which is neutral and non-polar, at codon 182 of the HRAS protein (p.Met182Leu). This variant is not present in population databases (gnomAD no frequency). This variant has not been reported in the literature in individuals affected with HRAS-related conditions. ClinVar contains an entry for this variant (Variation ID: 946957). Invitae Evidence Modeling of protein sequence and biophysical properties (such as structural, functional, and spatial information, amino acid conservation, physicochemical variation, residue mobility, and thermodynamic stability) indicates that this missense variant is not expected to disrupt HRAS protein function with a negative predictive value of 95%. In summary, the available evidence is currently insufficient to determine the role of this variant in disease. Therefore, it has been classified as a Variant of Uncertain Significance.